The following is an entry in ClinVar:

ClinVar aggregate classification (germline): Uncertain significance (1 of 4 stars; one submission).

Conditions:
Long QT syndrome (LQTS). Identifiers: MedGen C0023976, MeSH D008133, MONDO:0002442. Disease mechanism: loss of function. Inheritance: Various modes of inheritance.

Submission:

Labcorp Genetics (formerly Invitae), Labcorp
Classification: Uncertain significance for Long QT syndrome. Last evaluated: 2025-04-24. Review status: criteria provided, single submitter. Criteria: Invitae Variant Classification Sherloc (09022015). Collection method: clinical testing. Allele origin: germline.
Comment: This sequence change replaces glutamic acid, which is acidic and polar, with lysine, which is basic and polar, at codon 3484 of the ANK2 protein (p.Glu3484Lys). This variant is not present in population databases (gnomAD no frequency). This variant has not been reported in the literature in individuals affected with ANK2-related conditions. An algorithm developed to predict the effect of missense changes on protein structure and function (PolyPhen-2) suggests that this variant is likely to be disruptive. In summary, the available evidence is currently insufficient to determine the role of this variant in disease. Therefore, it has been classified as a Variant of Uncertain Significance.

NM_001148.6(ANK2):c.10450G>A (p.Glu3484Lys)

Gene: ANK2 (ankyrin 2; plus strand). Cytogenetic location: 4q26.
Variant type: single nucleotide variant.
Coding change: c.10450G>A on transcript NM_001148.6 (MANE Select); coding-DNA position 10450, G replaced by A.
Protein change: p.Glu3484Lys; replaces glutamic acid 3484 with lysine.
Molecular consequence: missense variant. On other transcripts: intron variant (68).
Genome position (GRCh38, 1-based): chr4:113,359,068, G>A. VCF-style: chr4-113359068-G-A. GRCh37 (hg19) VCF-style: chr4-114280224-G-A.
Other names: c.10216G>A, p.Glu3406Lys (NM_001386142.1); c.6850G>A, p.Glu2284Lys (NM_001386166.1); c.10591G>A, p.Glu3531Lys (NM_001386174.1); c.10567G>A, p.Glu3523Lys (NM_001386175.1); c.4412-1755G>A (NM_001386186.2, NM_001386148.2); c.4214-1755G>A (NM_001354269.3); c.4292-1755G>A (NM_001386187.2); c.4253-1755G>A (NM_001386147.1); and 35 more; short protein forms E2284K, E3523K, E3484K, E3406K, E3531K.
Identifiers: ClinVar variation 4699733 (VCV004699733.1).